The following is an entry in ClinVar:

ClinVar aggregate classification (germline): Uncertain significance (1 of 4 stars; one submission).

Conditions:
Bethlem myopathy 1A. Also called: MYOPATHY, BENIGN CONGENITAL, WITH CONTRACTURES; Bethlem myopathy 1; Bethlem Muscular Dystrophy. Identifiers: Orphanet 610, MedGen CN029274, MONDO:0024530, OMIM 158810.

Submission:

Labcorp Genetics (formerly Invitae), Labcorp
Classification: Uncertain significance for Bethlem myopathy 1A. Last evaluated: 2021-09-15. Review status: criteria provided, single submitter. Criteria: Invitae Variant Classification Sherloc (09022015). Collection method: clinical testing. Allele origin: germline.
Comment: In summary, the available evidence is currently insufficient to determine the role of this variant in disease. Therefore, it has been classified as a Variant of Uncertain Significance. Advanced modeling of protein sequence and biophysical properties (such as structural, functional, and spatial information, amino acid conservation, physicochemical variation, residue mobility, and thermodynamic stability) performed at Invitae indicates that this missense variant is not expected to disrupt COL6A3 protein function. This variant has not been reported in the literature in individuals affected with COL6A3-related conditions. This variant is not present in population databases (ExAC no frequency). This sequence change replaces serine with threonine at codon 300 of the COL6A3 protein (p.Ser300Thr). The serine residue is moderately conserved and there is a small physicochemical difference between serine and threonine.

NM_004369.4(COL6A3):c.898T>A (p.Ser300Thr)

Gene: COL6A3 (collagen type VI alpha 3 chain; minus strand). Cytogenetic location: 2q37.3.
Variant type: single nucleotide variant.
Coding change: c.898T>A on transcript NM_004369.4 (MANE Select); coding-DNA position 898, T replaced by A.
Protein change: p.Ser300Thr; replaces serine 300 with threonine.
Molecular consequence: missense variant. On other transcripts: intron variant (2).
Genome position (GRCh38, 1-based): chr2:237,387,996, A>T on the plus strand (T>A on the coding strand, the complement: COL6A3 is on the minus strand). VCF-style: chr2-237387996-A-T. GRCh37 (hg19) VCF-style: chr2-238296639-A-T.
Other names: c.280T>A, p.Ser94Thr (NM_057165.5, NM_057167.4); c.92-6497T>A (NM_057166.5, NM_057164.5); short protein forms S300T, S94T.
Identifiers: ClinVar variation 1512692 (VCV001512692.6), dbSNP rs1559270845, ClinGen allele CA351223173.
Genomic context (GRCh38, chr2:237,387,996, plus strand): 5'-CCAACTCCCCACCAGCAAACCCGAGGGCTTTCACTGCACCCAGAACCTGGGCCTTGGTGG[A>T]GTAGGTGTCCAAGGAGAACATGGTTCTGGGCTCATCGCTAAACTGGACCACCCCCACTCG-3'
Protein context (NP_004360.2, residues 290-310): PRTMFSLDTY[Ser300Thr]TKAQVLGAVK